The following is an entry in ClinVar:

NM_024312.5(GNPTAB):c.796G>A (p.Val266Ile)

Gene: GNPTAB (N-acetylglucosamine-1-phosphate transferase subunits alpha and beta; minus strand). Cytogenetic location: 12q23.2.
Variant type: single nucleotide variant.
Coding change: c.796G>A on transcript NM_024312.5 (MANE Select); coding-DNA position 796, G replaced by A.
Protein change: p.Val266Ile; replaces valine 266 with isoleucine.
Molecular consequence: missense variant.
Genome position (GRCh38, 1-based): chr12:101,771,133, C>T on the plus strand (G>A on the coding strand, the complement: GNPTAB is on the minus strand). VCF-style: chr12-101771133-C-T. GRCh37 (hg19) VCF-style: chr12-102164911-C-T.
Other names: c.796G>A (NM_024312.4); short protein forms V266I.
Identifiers: ClinVar variation 1948440 (VCV001948440.6), dbSNP rs2547961990, ClinGen allele CA386303722.

ClinVar aggregate classification (germline): Uncertain significance. Review status: criteria provided, multiple submitters, no conflicts (2 of 4 stars). 2 submissions from 2 submitters: Uncertain significance (2). Last evaluated 2024-02-02.

Conditions:
Pseudo-Hurler polydystrophy. Also called: MUCOLIPIDOSIS IIIA; ML III; ML III ALPHA/BETA; Type III Mucolipidosis; ML IIIA; Mucolipidosis III Alpha/Beta. Identifiers: Orphanet 423461, Orphanet 577, MedGen C0033788, MONDO:0018931, OMIM 252600.
Mucolipidosis type II. Also called: Mucolipidosis II Alpha/Beta; ML II ALPHA/BETA; Mucolipidosis 2; ML 2; Inclusion cell disease; Leroy Disease. Identifiers: Orphanet 576, MedGen C2673377, MONDO:0009650, OMIM 252500.

Allele frequency attached by ClinVar (database versions not stated): gnomAD exomes below 0.00001.
gnomAD v4.1: 2 of 1,613,832 alleles (0.00012%); highest among the groups gnomAD compares: Non-Finnish European, 0.00017%; no homozygotes.

Submissions (2):

GeneDx
Classification: Uncertain significance. Last evaluated: 2024-02-02. Review status: criteria provided, single submitter. Criteria: GeneDx Variant Classification Process June 2021. Collection method: clinical testing. Allele origin: germline. Affected: yes.
Comment: Not observed at significant frequency in large population cohorts (gnomAD); In silico analysis supports that this missense variant does not alter protein structure/function; Has not been previously published as pathogenic or benign to our knowledge

Labcorp Genetics (formerly Invitae), Labcorp
Classification: Uncertain significance for Pseudo-Hurler polydystrophy; Mucolipidosis type II. Last evaluated: 2023-11-28. Review status: criteria provided, single submitter. Criteria: Invitae Variant Classification Sherloc (09022015). Collection method: clinical testing. Allele origin: germline.
Comment: This sequence change replaces valine, which is neutral and non-polar, with isoleucine, which is neutral and non-polar, at codon 266 of the GNPTAB protein (p.Val266Ile). This variant is not present in population databases (gnomAD no frequency). This variant has not been reported in the literature in individuals affected with GNPTAB-related conditions. ClinVar contains an entry for this variant (Variation ID: 1948440). Advanced modeling of protein sequence and biophysical properties (such as structural, functional, and spatial information, amino acid conservation, physicochemical variation, residue mobility, and thermodynamic stability) performed at Invitae indicates that this missense variant is not expected to disrupt GNPTAB protein function with a negative predictive value of 80%. In summary, the available evidence is currently insufficient to determine the role of this variant in disease. Therefore, it has been classified as a Variant of Uncertain Significance.